The following is an entry in ClinVar:

NM_001281740.3(FHOD3):c.4513G>C (p.Glu1505Gln)

Gene: FHOD3 (formin homology 2 domain containing 3; plus strand). Cytogenetic location: 18q12.2.
Variant type: single nucleotide variant.
Coding change: c.4513G>C on transcript NM_001281740.3 (MANE Select); coding-DNA position 4513, G replaced by C.
Protein change: p.Glu1505Gln; replaces glutamic acid 1505 with glutamine.
Molecular consequence: missense variant.
Genome position (GRCh38, 1-based): chr18:36,760,671, G>C. VCF-style: chr18-36760671-G-C. GRCh37 (hg19) VCF-style: chr18-34340634-G-C.
Other names: c.3964G>C, p.Glu1322Gln (NM_025135.5); c.3913G>C, p.Glu1305Gln (NM_001281739.3); short protein forms E1305Q, E1322Q, E1505Q.
Identifiers: ClinVar variation 4874179 (VCV004874179.3).
Genomic context (GRCh38, chr18:36,760,671, plus strand): 5'-GGCAAGTTCTCCGGCAGTTCTCCGGCGCCCCCAAGCCAGCCGCAGGGTCTGAGCTATGCG[G>C]AGGACGCGGCTGAGCACGAGAACATGAAGGCTGTGCTGAAAACCTCGTCCCCCTCCGTGG-3'
Protein context (NP_001268669.1, residues 1495-1515): PSQPQGLSYA[Glu1505Gln]DAAEHENMKA

ClinVar aggregate classification (germline): Uncertain significance. Review status: criteria provided, multiple submitters, no conflicts (2 of 4 stars). 2 submissions from 2 submitters: Uncertain significance (2). Last evaluated 2026-06-01.

gnomAD v4.1: 3 of 1,613,294 alleles (0.00019%); highest among the groups gnomAD compares: Non-Finnish European, 0.00025%; no homozygotes.

Submissions (2):

CeGaT Center for Human Genetics Tuebingen
Classification: Uncertain significance. Last evaluated: 2026-06-01. Review status: criteria provided, single submitter. Criteria: CeGaT Center For Human Genetics Tuebingen Variant Classification Criteria Version 2. Collection method: clinical testing. Allele origin: germline. Affected: yes. Observed: 1 variant allele.
Comment: FHOD3: PM2

Blueprint Genetics
Classification: Uncertain significance. Last evaluated: 2023-12-20. Review status: criteria provided, single submitter. Criteria: ACMG Guidelines, 2015. Collection method: clinical testing. Allele origin: germline.